The following is an entry in ClinVar:

NM_000198.4(HSD3B2):c.5G>T (p.Gly2Val)

Genes: HSD3B2 (hydroxy-delta-5-steroid dehydrogenase, 3 beta- and steroid delta-isomerase 2; plus strand), LOC109029530 (HSD3B2 5' regulatory region; plus strand). Cytogenetic location: 1p12.
Variant type: single nucleotide variant.
Coding change: c.5G>T on transcript NM_000198.4 (MANE Select); coding-DNA position 5, G replaced by T.
Protein change: p.Gly2Val; replaces glycine 2 with valine.
Molecular consequence: missense variant.
Genome position (GRCh38, 1-based): chr1:119,415,424, G>T. VCF-style: chr1-119415424-G-T. GRCh37 (hg19) VCF-style: chr1-119958047-G-T.
Other names: c.5G>T, p.Gly2Val (NM_001166120.2); short protein forms G2V.
Identifiers: ClinVar variation 719939 (VCV000719939.13), dbSNP rs116449508, ClinGen allele CA1035856.
Genomic context (GRCh38, chr1:119,415,424, plus strand): 5'-TCTCCAGCATCTTCTGTTTCCTGGCAAGTGTTTCCTGCTACTTTGGATTGGCCACGATGG[G>T]CTGGAGCTGCCTTGTGACAGGAGCAGGAGGGCTTCTGGGTCAGAGGATCGTCCGCCTGTT-3'
Protein context (NP_000189.1, residues 1-12): M[Gly2Val]WSCLVTGAGG

ClinVar aggregate classification (germline): Likely benign. Review status: criteria provided, single submitter (1 of 4 stars). 2 submissions from 2 submitters: Likely benign (1). 1 of the submissions does not count toward it. Last evaluated 2026-01-19.

Conditions:
HSD3B2-related disorder. Also called: HSD3B2-related condition.

Allele frequency attached by ClinVar (database versions not stated): gnomAD exomes 0.00017 and 0.00041; ExAC 0.00054; gnomAD 0.00145 and 0.00158; 1000 Genomes Project 0.00180; TOPMed 0.00182; 1000 Genomes Project 30x 0.00234; ESP Exome Variant Server 0.00277.

Submissions (2):

Labcorp Genetics (formerly Invitae), Labcorp
Classification: Likely benign. Last evaluated: 2026-01-19. Review status: criteria provided, single submitter. Criteria: Invitae Variant Classification Sherloc (09022015). Collection method: clinical testing. Allele origin: germline.

PreventionGenetics, part of Exact Sciences
Classification: Likely benign for HSD3B2-related condition. Last evaluated: 2019-10-31. Review status: no assertion criteria provided. Collection method: clinical testing. Allele origin: germline. Not counted in ClinVar's aggregate classification.
Comment: This variant is classified as likely benign based on ACMG/AMP sequence variant interpretation guidelines (Richards et al. 2015 PMID: 25741868, with internal and published modifications).